The following is an entry in ClinVar:

ClinVar aggregate classification (germline): Conflicting classifications of pathogenicity. Review status: criteria provided, conflicting classifications (1 of 4 stars). 3 submissions from 3 submitters: Uncertain significance (2); Likely benign (1). Last evaluated 2025-07-16.

Conditions:
Cardiovascular phenotype. Identifiers: MedGen CN230736.
Long QT syndrome (LQTS). Identifiers: MedGen C0023976, MeSH D008133, MONDO:0002442. Disease mechanism: loss of function. Inheritance: Various modes of inheritance.

Allele frequency attached by ClinVar (database versions not stated): TOPMed below 0.00001; ExAC 0.00001; gnomAD 0.00001; gnomAD exomes 0.00002 and 0.00008.
gnomAD v4.1: 113 of 1,613,564 alleles (0.007%); highest among the groups gnomAD compares: Middle Eastern, 0.016%; no homozygotes.

Submissions (3):

Ambry Genetics
Classification: Likely benign for Cardiovascular phenotype. Last evaluated: 2025-07-16. Review status: criteria provided, single submitter. Criteria: Ambry Variant Classification Scheme 2023. Collection method: clinical testing. Allele origin: germline.

Labcorp Genetics (formerly Invitae), Labcorp
Classification: Uncertain significance for Long QT syndrome. Last evaluated: 2025-02-20. Review status: criteria provided, single submitter. Criteria: Invitae Variant Classification Sherloc (09022015). Collection method: clinical testing. Allele origin: germline.
Comment: This sequence change replaces aspartic acid, which is acidic and polar, with tyrosine, which is neutral and polar, at codon 2595 of the AKAP9 protein (p.Asp2595Tyr). This variant is present in population databases (rs754949903, gnomAD 0.006%). This variant has not been reported in the literature in individuals affected with AKAP9-related conditions. ClinVar contains an entry for this variant (Variation ID: 1431335). An algorithm developed to predict the effect of missense changes on protein structure and function (PolyPhen-2) suggests that this variant is likely to be tolerated. In summary, the available evidence is currently insufficient to determine the role of this variant in disease. Therefore, it has been classified as a Variant of Uncertain Significance.

Mayo Clinic Laboratories, Mayo Clinic
Classification: Uncertain significance. Last evaluated: 2021-07-27. Review status: criteria provided, single submitter. Criteria: ACMG Guidelines, 2015. Collection method: clinical testing. Allele origin: germline.

NM_005751.5(AKAP9):c.7783G>T (p.Asp2595Tyr)

Gene: AKAP9 (A-kinase anchoring protein 9; plus strand). Cytogenetic location: 7q21.2.
Variant type: single nucleotide variant.
Coding change: c.7783G>T on transcript NM_005751.5 (MANE Select); coding-DNA position 7783, G replaced by T.
Protein change: p.Asp2595Tyr; replaces aspartic acid 2595 with tyrosine.
Molecular consequence: missense variant.
Genome position (GRCh38, 1-based): chr7:92,079,916, G>T. VCF-style: chr7-92079916-G-T. GRCh37 (hg19) VCF-style: chr7-91709230-G-T.
Other names: p.Asp2595Tyr; c.2428G>T, p.Asp810Tyr (NM_001379277.1); c.7759G>T, p.Asp2587Tyr (NM_147185.3); short protein forms D2595Y, D810Y, D2587Y.
Identifiers: ClinVar variation 1431335 (VCV001431335.13), dbSNP rs754949903, ClinGen allele CA4337346.